The following is an entry in ClinVar:

GRCh38/hg38 11p15.5(chr11:1425093-1636078)x3

Genes: BRSK2 (BR serine/threonine kinase 2; plus strand), DUSP8 (dual specificity phosphatase 8; minus strand), KRTAP5-1 (keratin associated protein 5-1; minus strand), KRTAP5-2 (keratin associated protein 5-2; minus strand), KRTAP5-3 (keratin associated protein 5-3; minus strand) and 7 more. Cytogenetic location: 11p15.5.
Variant type: copy number gain.
Change: copy number 3 (three copies instead of two) of chr11:1,425,093-1,636,078 (211.0 kb, GRCh38 coordinates, 1-based), cytogenetic band 11p15.5.
Identifiers: ClinVar variation 4974731 (VCV004974731.1).

ClinVar aggregate classification (germline): Uncertain significance (1 of 4 stars; one submission).

Submission:

Clinical Genomics Laboratory, Laboratory for Precision Diagnostics, University of Washington
Classification: Uncertain significance. Last evaluated: 2024-01-31. Review status: criteria provided, single submitter. Criteria: ACMG/ClinGen CNV Guidelines, 2019. Collection method: clinical testing. Allele origin: unknown. Affected: yes. Observed: 1 variant allele.

Literature cited by the submitters: PubMed 17325026; PubMed 19735747; PubMed 29377879; PubMed 21780245; PubMed 34906464; PubMed 29223973; PubMed 2218739.